The following is an entry in ClinVar:

ClinVar aggregate classification (germline): Likely pathogenic (1 of 4 stars; one submission).

Submission:

Labcorp Genetics (formerly Invitae), Labcorp
Classification: Likely pathogenic. Last evaluated: 2024-05-09. Review status: criteria provided, single submitter. Criteria: Invitae Variant Classification Sherloc (09022015). Collection method: clinical testing. Allele origin: germline.
Comment: This sequence change affects a donor splice site in intron 7 of the RGS9 gene. It is expected to disrupt RNA splicing. Variants that disrupt the donor or acceptor splice site typically lead to a loss of protein function (PMID: 16199547), and loss-of-function variants in RGS9 are known to be pathogenic (PMID: 11262419, 14702087). This variant is not present in population databases (gnomAD no frequency). This variant has not been reported in the literature in individuals affected with RGS9-related conditions. Algorithms developed to predict the effect of sequence changes on RNA splicing suggest that this variant may disrupt the consensus splice site. In summary, the currently available evidence indicates that the variant is pathogenic, but additional data are needed to prove that conclusively. Therefore, this variant has been classified as Likely Pathogenic.

Literature cited by the submitters: PubMed 16199547; PubMed 11262419; PubMed 14702087.

NM_003835.4(RGS9):c.500+1G>T

Gene: RGS9 (regulator of G protein signaling 9; plus strand). Cytogenetic location: 17q24.1.
Variant type: single nucleotide variant.
Coding change: c.500+1G>T on transcript NM_003835.4 (MANE Select); the canonical splice donor site of the intron after coding-DNA position 500, G replaced by T.
Molecular consequence: splice donor variant.
Genome position (GRCh38, 1-based): chr17:65,163,090, G>T. VCF-style: chr17-65163090-G-T. GRCh37 (hg19) VCF-style: chr17-63159208-G-T.
Other names: c.500+1G>T (NM_001081955.3, NM_001165933.2).
Identifiers: ClinVar variation 3619386 (VCV003619386.2).